The following is an entry in ClinVar:

NM_020964.3(EPG5):c.6622-14_6622-7dup

Gene: EPG5 (ectopic P-granules 5 autophagy tethering factor; minus strand). Cytogenetic location: 18q12.3.
Variant type: Duplication.
Coding change: c.6622-14_6622-7dup on transcript NM_020964.3 (MANE Select); 14 bases into the intron before coding-DNA position 6622 through 7 bases into the intron before coding-DNA position 6622, 8 bases duplicated (TTTTTTTT; older notation c.6622-14_6622-7dupTTTTTTTT).
Molecular consequence: intron variant.
Genome position (GRCh38, 1-based): chr18:45,865,766-45,865,773, AAAAAAAA duplicated on the plus strand (TTTTTTTT on the coding strand, the reverse complement: EPG5 is on the minus strand); duplicating any 8 consecutive bases within chr18:45,865,766-45,865,782 gives the same sequence; the c. name uses the placement nearest the transcript's 3' end. VCF-style (leftmost placement, unchanged base first): chr18-45865765-C-CAAAAAAAA. GRCh37 (hg19) VCF-style: chr18-43445730-C-CAAAAAAAA.
Other names: c.6622-14_6622-7dup8 (NM_020964.2).
Identifiers: ClinVar variation 2193995 (VCV002193995.6), dbSNP rs11333207, ClinGen allele CA779742198.

ClinVar aggregate classification (germline): Likely benign. Review status: criteria provided, single submitter (1 of 4 stars). 2 submissions from 2 submitters: Likely benign (1). 1 of the submissions does not count toward it. Last evaluated 2023-05-18.

Conditions:
EPG5-related disorder. Also called: EPG5-related condition. Identifiers: MedGen CN381528.
Vici syndrome (VICIS). Identifiers: Orphanet 1493, MedGen C1855772, MONDO:0009452, OMIM 242840.

Submissions (2):

Labcorp Genetics (formerly Invitae), Labcorp
Classification: Likely benign for Vici syndrome. Last evaluated: 2023-05-18. Review status: criteria provided, single submitter. Criteria: Invitae Variant Classification Sherloc (09022015). Collection method: clinical testing. Allele origin: germline.

PreventionGenetics, part of Exact Sciences
Classification: Likely benign for EPG5-related condition. Last evaluated: 2019-08-13. Review status: no assertion criteria provided. Collection method: clinical testing. Allele origin: germline. Not counted in ClinVar's aggregate classification.
Comment: This variant is classified as likely benign based on ACMG/AMP sequence variant interpretation guidelines (Richards et al. 2015 PMID: 25741868, with internal and published modifications).